The following is an entry in ClinVar:

ClinVar aggregate classification (germline): Pathogenic (1 of 4 stars; one submission).

Conditions:
Hereditary cancer-predisposing syndrome. Also called: Tumor predisposition; Neoplastic Syndromes, Hereditary; Hereditary Cancer Syndrome; Hereditary neoplastic syndrome. Identifiers: Orphanet 140162, MedGen C0027672, MeSH D009386, MONDO:0015356.

Submission:

Ambry Genetics
Classification: Pathogenic for Hereditary cancer-predisposing syndrome. Last evaluated: 2022-03-29. Review status: criteria provided, single submitter. Criteria: Ambry Variant Classification Scheme 2023. Collection method: clinical testing. Allele origin: germline.
Comment: The c.3136delG pathogenic mutation, located in coding exon 9 of the BRCA1 gene, results from a deletion of one nucleotide at nucleotide position 3136, causing a translational frameshift with a predicted alternate stop codon (p.E1046Kfs*2). This variant is considered to be rare based on population cohorts in the Genome Aggregation Database (gnomAD). This alteration is expected to result in loss of function by premature protein truncation or nonsense-mediated mRNA decay. As such, this alteration is interpreted as a disease-causing mutation.

NM_007294.4(BRCA1):c.3136del (p.Glu1046fs)

Gene: BRCA1 (BRCA1 DNA repair associated; minus strand). Cytogenetic location: 17q21.31.
Variant type: Deletion.
Coding change: c.3136del on transcript NM_007294.4 (MANE Select); coding-DNA position 3136, one base deleted (G; older notation c.3136delG).
Protein change: p.Glu1046fs; shifts the reading frame from glutamic acid 1046.
Molecular consequence: frameshift variant. On other transcripts: intron variant (137).
Genome position (GRCh38, 1-based): chr17:43,092,395, C deleted on the plus strand (G on the coding strand, the reverse complement: BRCA1 is on the minus strand). VCF-style (leftmost placement, unchanged base first): chr17-43092394-TC-T. GRCh37 (hg19) VCF-style: chr17-41244411-TC-T.
Other names: c.2869del, p.Glu957fs (NM_001407930.1, NM_001407931.1, NM_001407932.1 and 2 more transcripts); c.2872del, p.Glu958fs (NM_001407933.1, NM_001407935.1, NM_001407920.1 and 9 more transcripts); c.3013del, p.Glu1005fs (NM_001407937.1, NM_001407938.1, NM_001407939.1 and 19 more transcripts); c.3010del, p.Glu1004fs (NM_001407940.1, NM_001407941.1, NM_001407649.1 and 11 more transcripts); c.2995del, p.Glu999fs (NM_001407942.1, NM_001407944.1, NM_001407945.1 and 29 more transcripts); c.2803del, p.Glu935fs (NM_001407946.1, NM_001407947.1, NM_001407948.1 and 6 more transcripts); c.2992del, p.Glu998fs (NM_001407943.1, NM_001407740.1, NM_001407741.1 and 20 more transcripts); c.3136del, p.Glu1046fs (NM_001407602.1, NM_001407603.1, NM_001407605.1 and 30 more transcripts); and 41 more; short protein forms E1046fs, E999fs, E750fs, E975fs, E976fs, E1005fs, E1019fs, E878fs.
Identifiers: ClinVar variation 1728014 (VCV001728014.2), dbSNP rs2552167747, ClinGen allele CA2580093907.